The following is an entry in ClinVar:

NM_004006.3(DMD):c.9947G>A (p.Cys3316Tyr)

Gene: DMD (dystrophin; minus strand). Cytogenetic location: Xp21.2.
Variant type: single nucleotide variant.
Coding change: c.9947G>A on transcript NM_004006.3 (MANE Select); coding-DNA position 9947, G replaced by A.
Protein change: p.Cys3316Tyr; replaces cysteine 3316 with tyrosine.
Molecular consequence: missense variant.
Genome position (GRCh38, 1-based): chrX:31,182,765, C>T on the plus strand (G>A on the coding strand, the complement: DMD is on the minus strand). VCF-style: chrX-31182765-C-T. GRCh37 (hg19) VCF-style: chrX-31200882-C-T.
Other names: c.9923G>A, p.Cys3308Tyr (NM_000109.4); c.9935G>A, p.Cys3312Tyr (NM_004009.3); c.9578G>A, p.Cys3193Tyr (NM_004010.3); c.5924G>A, p.Cys1975Tyr (NM_004011.4); c.5915G>A, p.Cys1972Tyr (NM_004012.4); c.2567G>A, p.Cys856Tyr (NM_004013.3, NM_004020.4, NM_004021.3 and 2 more transcripts); c.1760G>A, p.Cys587Tyr (NM_004014.3); c.743G>A, p.Cys248Tyr (NM_004015.3, NM_004016.3, NM_004017.3 and 2 more transcripts); short protein forms C1972Y, C1975Y, C248Y, C3193Y, C3308Y, C3312Y, C3316Y, C587Y.
Identifiers: ClinVar variation 2440839 (VCV002440839.7), dbSNP rs2520021391, ClinGen allele CA412653325.
Genomic context (GRCh38, chrX:31,182,765, plus strand): 5'-AAAAAATGACATTTTTTTTTTGGTTCCTAATACCTGAATCCAATGATTGGACACTCTTTG[C>T]AGATGTTACATTTGGCCTGATGCTTGGCAGTTTCTGCAGCAGCCACTCTGTGCAGGACGG-3'
Protein context (NP_003997.2, residues 3306-3326): TAKHQAKCNI[Cys3316Tyr]KECPIIGFRY

ClinVar aggregate classification (germline): Conflicting classifications of pathogenicity. Review status: criteria provided, conflicting classifications (1 of 4 stars). 2 submissions from 2 submitters: Likely pathogenic (1); Uncertain significance (1). Last evaluated 2026-03-01.

Submissions (2):

CeGaT Center for Human Genetics Tuebingen
Classification: Likely pathogenic. Last evaluated: 2026-03-01. Review status: criteria provided, single submitter. Criteria: CeGaT Center For Human Genetics Tuebingen Variant Classification Criteria Version 2. Collection method: clinical testing. Allele origin: germline. Affected: yes. Observed: 1 variant allele.
Comment: DMD: PM1, PM2, PS2:Moderate, PP3

Revvity Omics, Revvity
Classification: Uncertain significance. Last evaluated: 2020-03-13. Review status: criteria provided, single submitter. Criteria: ACMG Guidelines, 2015. Collection method: clinical testing. Allele origin: germline.